The following is an entry in ClinVar:

ClinVar aggregate classification (germline): Uncertain significance (1 of 4 stars; one submission).

Conditions:
CEP290-related disorder. Also called: CEP290-related condition; CEP290-related disorders. Identifiers: MedGen CN239314.

Submission:

PreventionGenetics, part of Exact Sciences
Classification: Uncertain significance for CEP290-related condition. Last evaluated: 2026-02-03. Review status: criteria provided, single submitter. Criteria: ACMG Guidelines, 2015. Collection method: clinical testing. Allele origin: germline.
Comment: The CEP290 c.6711G>A variant is predicted to result in the amino acid substitution p.Met2237Ile. To our knowledge, this variant has not been reported in the literature or in a large population database (gnomAD), indicating this variant is rare. At this time, the clinical significance of this variant is uncertain due to the absence of conclusive functional and genetic evidence.

NM_025114.4(CEP290):c.6711G>A (p.Met2237Ile)

Gene: CEP290 (centrosomal protein 290; minus strand). Cytogenetic location: 12q21.32.
Variant type: single nucleotide variant.
Coding change: c.6711G>A on transcript NM_025114.4 (MANE Select); coding-DNA position 6711, G replaced by A.
Protein change: p.Met2237Ile; replaces methionine 2237 with isoleucine.
Molecular consequence: missense variant.
Genome position (GRCh38, 1-based): chr12:88,058,955, C>T on the plus strand (G>A on the coding strand, the complement: CEP290 is on the minus strand). VCF-style: chr12-88058955-C-T. GRCh37 (hg19) VCF-style: chr12-88452732-C-T.
Other names: short protein forms M2237I.
Identifiers: ClinVar variation 4995442 (VCV004995442.1).